The following is an entry in ClinVar:

NM_001379500.1(COL18A1):c.3386C>T (p.Pro1129Leu)

Genes: COL18A1 (collagen type XVIII alpha 1 chain; plus strand), SLC19A1 (solute carrier family 19 member 1; minus strand). Cytogenetic location: 21q22.3.
Variant type: single nucleotide variant.
Coding change: c.3386C>T on transcript NM_001379500.1 (MANE Select); coding-DNA position 3386, C replaced by T.
Protein change: p.Pro1129Leu; replaces proline 1129 with leucine.
Molecular consequence: missense variant.
Genome position (GRCh38, 1-based): chr21:45,509,492, C>T. VCF-style: chr21-45509492-C-T. GRCh37 (hg19) VCF-style: chr21-46929406-C-T.
Other names: NM_130445.2:c.3377C>T; c.3917C>T, p.Pro1306Leu (NM_030582.4); c.4622C>T, p.Pro1541Leu (NM_130444.3); short protein forms P1541L, P1306L, P1129L.
Identifiers: ClinVar variation 2133730 (VCV002133730.5), dbSNP rs2146120574, ClinGen allele CA410500945.
Genomic context (GRCh38, chr21:45,509,492, plus strand): 5'-CCCACCCCACCGCGCGGCCCTGGCGGGCAGATGACATCCTGGCCAGCCCCCCTCGCCTGC[C>T]CGAGCCCCAGCCCTACCCCGGAGCCCCGCACCACAGCTCCTACGTGCACCTGCGGCCGGC-3'
Protein context (NP_001366429.1, residues 1119-1139): DDILASPPRL[Pro1129Leu]EPQPYPGAPH

ClinVar aggregate classification (germline): Uncertain significance. Review status: criteria provided, multiple submitters, no conflicts (2 of 4 stars). 2 submissions from 2 submitters: Uncertain significance (2). Last evaluated 2025-09-28.

Conditions:
Inborn genetic diseases. Identifiers: MedGen C0950123, MeSH D030342.

Submissions (2):

Ambry Genetics
Classification: Uncertain significance for Inborn genetic diseases. Last evaluated: 2025-09-28. Review status: criteria provided, single submitter. Criteria: Ambry Variant Classification Scheme 2023. Collection method: clinical testing. Allele origin: germline.

Labcorp Genetics (formerly Invitae), Labcorp
Classification: Uncertain significance. Last evaluated: 2022-05-04. Review status: criteria provided, single submitter. Criteria: Invitae Variant Classification Sherloc (09022015). Collection method: clinical testing. Allele origin: germline.
Comment: This variant is not present in population databases (gnomAD no frequency). In summary, the available evidence is currently insufficient to determine the role of this variant in disease. Therefore, it has been classified as a Variant of Uncertain Significance. Experimental studies and prediction algorithms are not available or were not evaluated, and the functional significance of this variant is currently unknown. This variant has not been reported in the literature in individuals affected with COL18A1-related conditions. This sequence change replaces proline, which is neutral and non-polar, with leucine, which is neutral and non-polar, at codon 1126 of the COL18A1 protein (p.Pro1126Leu).